The following is an entry in ClinVar:

NM_005094.4(SLC27A4):c.931C>T (p.Arg311Trp)

Gene: SLC27A4 (solute carrier family 27 member 4; plus strand). Cytogenetic location: 9q34.11.
Variant type: single nucleotide variant.
Coding change: c.931C>T on transcript NM_005094.4 (MANE Select); coding-DNA position 931, C replaced by T.
Protein change: p.Arg311Trp; replaces arginine 311 with tryptophan.
Molecular consequence: missense variant.
Genome position (GRCh38, 1-based): chr9:128,352,691, C>T. VCF-style: chr9-128352691-C-T. GRCh37 (hg19) VCF-style: chr9-131114970-C-T.
Other names: short protein forms R311W.
Identifiers: ClinVar variation 3366814 (VCV003366814.1).

ClinVar aggregate classification (germline): Uncertain significance (1 of 4 stars; one submission).

Submission:

Women's Health and Genetics/Laboratory Corporation of America, LabCorp
Classification: Uncertain significance. Last evaluated: 2024-08-14. Review status: criteria provided, single submitter. Criteria: LabCorp Variant Classification Summary - May 2015. Collection method: clinical testing. Allele origin: germline.
Comment: Variant summary: SLC27A4 c.931C>T (p.Arg311Trp) results in a non-conservative amino acid change located in the AMP-dependent synthetase/ligase domain of the encoded protein sequence. Four of five in-silico tools predict a damaging effect of the variant on protein function. The variant allele was found at a frequency of 1.2e-05 in 251406 control chromosomes. c.931C>T has been reported in the literature in a homozygous individual affected with Ichthyosis Prematurity Syndrome (Diociaiuti_2018). These data indicate that the variant may be associated with disease. To our knowledge, no experimental evidence demonstrating an impact on protein function has been reported. The following publication have been ascertained in the context of this evaluation (PMID: 29701233). No submitters have cited clinical-significance assessments for this variant to ClinVar. Based on the evidence outlined above, the variant was classified as VUS-possibly pathogenic.

Literature cited by the submitters: PubMed 29701233.